The following is an entry in ClinVar:

NM_001291303.3(FAT4):c.5533G>A (p.Val1845Met)

Gene: FAT4 (FAT atypical cadherin 4; plus strand). Cytogenetic location: 4q28.1.
Variant type: single nucleotide variant.
Coding change: c.5533G>A on transcript NM_001291303.3 (MANE Select); coding-DNA position 5533, G replaced by A.
Protein change: p.Val1845Met; replaces valine 1845 with methionine.
Molecular consequence: missense variant.
Genome position (GRCh38, 1-based): chr4:125,407,105, G>A. VCF-style: chr4-125407105-G-A. GRCh37 (hg19) VCF-style: chr4-126328260-G-A.
Other names: c.5533G>A, p.Val1845Met (NM_001291285.3, NM_024582.6); c.5533G>A (NM_024582.4); short protein forms V1845M.
Identifiers: ClinVar variation 1512647 (VCV001512647.6), dbSNP rs1179341769, ClinGen allele CA358122873.

ClinVar aggregate classification (germline): Uncertain significance. Review status: criteria provided, multiple submitters, no conflicts (2 of 4 stars). 2 submissions from 2 submitters: Uncertain significance (2). Last evaluated 2025-11-19.

Conditions:
Inborn genetic diseases. Identifiers: MedGen C0950123, MeSH D030342.

Allele frequency attached by ClinVar (database versions not stated): gnomAD exomes below 0.00001 and 0.00001; gnomAD 0.00001.
gnomAD v4.1: 17 of 1,613,454 alleles (0.0011%); highest among the groups gnomAD compares: Admixed American, 0.0033%; no homozygotes.

Submissions (2):

Labcorp Genetics (formerly Invitae), Labcorp
Classification: Uncertain significance. Last evaluated: 2025-11-19. Review status: criteria provided, single submitter. Criteria: Invitae Variant Classification Sherloc (09022015). Collection method: clinical testing. Allele origin: germline.
Comment: This sequence change replaces valine, which is neutral and non-polar, with methionine, which is neutral and non-polar, at codon 1845 of the FAT4 protein (p.Val1845Met). The frequency data for this variant in the population databases is considered unreliable, as metrics indicate poor data quality at this position in the gnomAD database. This variant has not been reported in the literature in individuals affected with FAT4-related conditions. ClinVar contains an entry for this variant (Variation ID: 1512647). Invitae Evidence Modeling of protein sequence and biophysical properties (such as structural, functional, and spatial information, amino acid conservation, physicochemical variation, residue mobility, and thermodynamic stability) indicates that this missense variant is not expected to disrupt FAT4 protein function with a negative predictive value of 95%. In summary, the available evidence is currently insufficient to determine the role of this variant in disease. Therefore, it has been classified as a Variant of Uncertain Significance.

Ambry Genetics
Classification: Uncertain significance for Inborn genetic diseases. Last evaluated: 2025-05-01. Review status: criteria provided, single submitter. Criteria: Ambry Variant Classification Scheme 2023. Collection method: clinical testing. Allele origin: germline.